The following is an entry in ClinVar:

ClinVar aggregate classification (germline): Uncertain significance (1 of 4 stars; one submission).

Submission:

Laboratory for Molecular Medicine, Mass General Brigham Personalized Medicine
Classification: Uncertain significance. Last evaluated: 2021-09-22. Review status: criteria provided, single submitter. Criteria: ACMG Guidelines, 2015. Collection method: clinical testing. Allele origin: germline.
Comment: The p.Arg627Thr variant in FAM111B has not been reported in the literature in individuals with hereditary fibrosing poikiloderma with tendon contractures, myopathy, and pulmonary fibrosis (POIKTMP), but was identified through WGS by the Broad Institute Rare Genomes Project in an adult with muscle weakness, contractures, lordosis, pancreatic insufficiency, restrictive lung disease, and hyperkeratosis. It was absent from large population studies. Computational prediction tools and conservation analyses do not provide strong support for or against an impact to the protein. However, other missense variants at this position (p.Arg627Gly) and neighboring codons (p.Tyr621Asp, p.Thr625Asn, p.Ser628Asn, p.Ser628Arg) have been identified in individuals with POIKTMP, suggesting that this position may be critical for protein function (Mercier 2015 PMID: 26471370). In summary, while there is some suspicion for a pathogenic role, the clinical significance of this variant is uncertain. ACMG/AMP Criteria applied: PM1_Supporting, PM5_Supporting, PM2_Supporting, PP4.

Literature cited by the submitters: PubMed 26471370.

NM_198947.4(FAM111B):c.1880G>C (p.Arg627Thr)

Gene: FAM111B (FAM111 trypsin like peptidase B; plus strand). Cytogenetic location: 11q12.1.
Variant type: single nucleotide variant.
Coding change: c.1880G>C on transcript NM_198947.4 (MANE Select); coding-DNA position 1880, G replaced by C.
Protein change: p.Arg627Thr; replaces arginine 627 with threonine.
Molecular consequence: missense variant.
Genome position (GRCh38, 1-based): chr11:59,125,977, G>C. VCF-style: chr11-59125977-G-C. GRCh37 (hg19) VCF-style: chr11-58893450-G-C.
Other names: c.1790G>C, p.Arg597Thr (NM_001142703.2, NM_001142704.2); short protein forms R597T, R627T.
Identifiers: ClinVar variation 3075830 (VCV003075830.1), dbSNP rs2496056933, ClinGen allele CA380762761.